The following is an entry in ClinVar:

NM_007289.4(MME):c.2228C>G (p.Pro743Arg)

Gene: MME (membrane metalloendopeptidase; plus strand). Cytogenetic location: 3q25.2.
Variant type: single nucleotide variant.
Coding change: c.2228C>G on transcript NM_007289.4 (MANE Select); coding-DNA position 2228, C replaced by G.
Protein change: p.Pro743Arg; replaces proline 743 with arginine.
Molecular consequence: missense variant.
Genome position (GRCh38, 1-based): chr3:155,180,434, C>G. VCF-style: chr3-155180434-C-G. GRCh37 (hg19) VCF-style: chr3-154898223-C-G.
Other names: c.2228C>G, p.Pro743Arg (NM_000902.5, NM_001354642.2, NM_001354643.1 and 2 more transcripts); short protein forms P743R.
Identifiers: ClinVar variation 1306554 (VCV001306554.2), dbSNP rs2108392727, ClinGen allele CA355219410.

ClinVar aggregate classification (germline): Uncertain significance (1 of 4 stars; one submission).

Submission:

GeneDx
Classification: Uncertain significance. Last evaluated: 2019-06-24. Review status: criteria provided, single submitter. Criteria: GeneDx Variant Classification Process June 2021. Collection method: clinical testing. Allele origin: germline. Affected: yes.
Comment: Not observed in large population cohorts (Lek et al., 2016); In silico analysis, which includes protein predictors and evolutionary conservation, supports a deleterious effect; Has not been previously published as pathogenic or benign to our knowledge